The following is an entry in ClinVar:

NM_001197104.2(KMT2A):c.8527G>T (p.Asp2843Tyr)

Gene: KMT2A (lysine methyltransferase 2A; plus strand). Cytogenetic location: 11q23.3.
Variant type: single nucleotide variant.
Coding change: c.8527G>T on transcript NM_001197104.2 (MANE Select); coding-DNA position 8527, G replaced by T.
Protein change: p.Asp2843Tyr; replaces aspartic acid 2843 with tyrosine.
Molecular consequence: missense variant.
Genome position (GRCh38, 1-based): chr11:118,504,419, G>T. VCF-style: chr11-118504419-G-T. GRCh37 (hg19) VCF-style: chr11-118375134-G-T.
Other names: c.8617G>T, p.Asp2873Tyr (NM_001412597.1); c.8518G>T, p.Asp2840Tyr (NM_005933.4); short protein forms D2840Y, D2843Y, D2873Y.
Identifiers: ClinVar variation 2662250 (VCV002662250.1), dbSNP rs2497010560, ClinGen allele CA382814495.
Genomic context (GRCh38, chr11:118,504,419, plus strand): 5'-TTACTGGACACCTATAATACTGAGCTCCTGAAATCAGATTCAGACAATAACAACAGTGAT[G>T]ACTGTGGGAATATCCTGCCTTCAGACATTATGGACTTTGTACTAAAGAATACTCCATCCA-3'
Protein context (NP_001184033.1, residues 2833-2853): KSDSDNNNSD[Asp2843Tyr]CGNILPSDIM

ClinVar aggregate classification (germline): Uncertain significance (1 of 4 stars; one submission).

Submission:

GeneDx
Classification: Uncertain significance. Last evaluated: 2023-05-14. Review status: criteria provided, single submitter. Criteria: GeneDx Variant Classification Process June 2021. Collection method: clinical testing. Allele origin: germline. Affected: yes.
Comment: Not observed at significant frequency in large population cohorts (gnomAD); In silico analysis supports that this missense variant has a deleterious effect on protein structure/function; Has not been previously published as pathogenic or benign to our knowledge